The following is an entry in ClinVar:

NM_005461.5(MAFB):c.206C>T (p.Ser69Leu)

Gene: MAFB (MAF bZIP transcription factor B; minus strand). Cytogenetic location: 20q12.
Variant type: single nucleotide variant.
Coding change: c.206C>T on transcript NM_005461.5 (MANE Select); coding-DNA position 206, C replaced by T.
Protein change: p.Ser69Leu; replaces serine 69 with leucine.
Molecular consequence: missense variant.
Genome position (GRCh38, 1-based): chr20:40,688,645, G>A on the plus strand (C>T on the coding strand, the complement: MAFB is on the minus strand). VCF-style: chr20-40688645-G-A. GRCh37 (hg19) VCF-style: chr20-39317285-G-A.
Other names: short protein forms S69L.
Identifiers: ClinVar variation 431917 (VCV000431917.6), dbSNP rs1555826433, ClinGen allele CA408941671.

ClinVar aggregate classification (germline): Pathogenic/Likely pathogenic. Review status: criteria provided, multiple submitters, no conflicts (2 of 4 stars). 3 submissions from 3 submitters: Pathogenic (2); Likely pathogenic (1). Last evaluated 2023-12-18.

Conditions:
MAFB-related disorder. Also called: MAFB-related condition.

Submissions (3):

Labcorp Genetics (formerly Invitae), Labcorp
Classification: Pathogenic. Last evaluated: 2023-12-18. Review status: criteria provided, single submitter. Criteria: Invitae Variant Classification Sherloc (09022015). Collection method: clinical testing. Allele origin: germline.
Comment: This sequence change replaces serine, which is neutral and polar, with leucine, which is neutral and non-polar, at codon 69 of the MAFB protein (p.Ser69Leu). This variant is not present in population databases (gnomAD no frequency). This missense change has been observed in individual(s) with multicentric carpotarsal osteolysis (PMID: 22387013, 24989131, 30430035). In at least one individual the variant was observed to be de novo. ClinVar contains an entry for this variant (Variation ID: 431917). Advanced modeling of protein sequence and biophysical properties (such as structural, functional, and spatial information, amino acid conservation, physicochemical variation, residue mobility, and thermodynamic stability) performed at Invitae indicates that this missense variant is expected to disrupt MAFB protein function with a positive predictive value of 80%. For these reasons, this variant has been classified as Pathogenic.

Blueprint Genetics
Classification: Pathogenic for MAFB-related disorders. Last evaluated: 2020-03-05. Review status: criteria provided, single submitter. Criteria: ACMG Guidelines, 2015. Collection method: clinical testing. Allele origin: germline. Affected: yes. Observed: 1 variant allele.

GeneDx
Classification: Likely pathogenic. Last evaluated: 2015-11-10. Review status: criteria provided, single submitter. Criteria: GeneDx Variant Classification (06012015). Collection method: clinical testing. Allele origin: germline. Affected: yes.
Comment: The S69L variant in the MAFB gene was initially reported as de novo in one individual with MCTO (Zankl et al., 2012). S69L has since been published in four unrelated probands with MCTO (Mumm et al., 2014). All probands were initially diagnosed with juvenile idiopathic arthritis, and had onset of symptoms prior to the age of six years. S69L was assumed to be de novo in three probands, while the mother of one proband also harbored S69L and had involvement of the cervical spine, elbows, and hand joints with renal failure (Mumm et al., 2014). The S69L variant was not observed in approximately 6500 individuals of European and African American ancestry in the NHLBI Exome Sequencing Project, indicating it is not a common benign variant in these populations. The S69L variant is a non-conservative amino acid substitution, which occurs at a position that is conserved in mammals. In silico analysis is inconsistent in its predictions as to whether or not the variant is damaging to the protein structure/function. Missense variants in nearby residues (S65I, S66C, S70A, S70L, P71S, P71L) have been reported in the Human Gene Mutation Database in association with multicentric carpotarsal osteolysis (Stenson et al., 2014), supporting the functional importance of this region of the protein. Therefore, the S69L variant is a strong candidate for a pathogenic variant however the possibility it may be a rare benign variant cannot be excluded.

Literature cited by the submitters: PubMed 22387013 (cited by Labcorp Genetics (formerly Invitae), Labcorp); PubMed 24989131 (cited by Labcorp Genetics (formerly Invitae), Labcorp); PubMed 30430035 (cited by Labcorp Genetics (formerly Invitae), Labcorp).